The following is an entry in ClinVar:

ClinVar aggregate classification (germline): Likely pathogenic. Review status: criteria provided, multiple submitters, no conflicts (2 of 4 stars). 3 submissions from 3 submitters: Likely pathogenic (3). Last evaluated 2025-05-08.

Conditions:
Dyskeratosis congenita. Identifiers: Orphanet 1775, MedGen C0265965, MONDO:0015780.
Pulmonary fibrosis and/or bone marrow failure, Telomere-related, 3. Also called: PULMONARY FIBROSIS AND/OR BONE MARROW FAILURE SYNDROME, TELOMERE-RELATED, 3. Identifiers: Orphanet 2032, MedGen C4225346, MONDO:0014613, OMIM 616373.
Dyskeratosis congenita, autosomal recessive 5 (DKCB5). Identifiers: MedGen C3554656, MONDO:0014076, OMIM 615190.

Submissions (3):

Natera, Inc.
Classification: Likely pathogenic for Dyskeratosis congenita. Last evaluated: 2025-05-08. Review status: criteria provided, single submitter. Criteria: Natera Variant Classification Schema (03/2026). Collection method: clinical testing. Allele origin: germline.
Comment: The c.2098-2A>G variant in RTEL1 is a canonical splice acceptor site variant predicted to affect pre-mRNA splicing, which may result in an abnormal transcript and altered protein product. This variant is expected to result in nonsense mediated decay, truncation, or a dysfunctional protein product. This variant is rare in the general population with a frequency below the threshold expected for the associated phenotype(s). Given the available evidence, this variant is classified as Likely Pathogenic.

Baylor Genetics
Classification: Likely pathogenic for Dyskeratosis congenita, autosomal recessive 5. Last evaluated: 2023-12-27. Review status: criteria provided, single submitter. Criteria: ACMG Guidelines, 2015. Collection method: clinical testing. Allele origin: unknown.

Labcorp Genetics (formerly Invitae), Labcorp
Classification: Likely pathogenic for Dyskeratosis congenita, autosomal recessive 5; Pulmonary fibrosis and/or bone marrow failure, Telomere-related, 3. Last evaluated: 2022-05-08. Review status: criteria provided, single submitter. Criteria: Invitae Variant Classification Sherloc (09022015). Collection method: clinical testing. Allele origin: germline.
Comment: This variant has not been reported in the literature in individuals affected with RTEL1-related conditions. In summary, the currently available evidence indicates that the variant is pathogenic, but additional data are needed to prove that conclusively. Therefore, this variant has been classified as Likely Pathogenic. Algorithms developed to predict the effect of sequence changes on RNA splicing suggest that this variant may disrupt the consensus splice site. This variant is not present in population databases (gnomAD no frequency). This sequence change affects an acceptor splice site in intron 23 of the RTEL1 gene. It is expected to disrupt RNA splicing. Variants that disrupt the donor or acceptor splice site typically lead to a loss of protein function (PMID: 16199547), and loss-of-function variants in RTEL1 are known to be pathogenic (PMID: 23453664, 23959892, 25607374).

Literature cited by the submitters: PubMed 16199547 (cited by Labcorp Genetics (formerly Invitae), Labcorp); PubMed 23453664 (cited by Labcorp Genetics (formerly Invitae), Labcorp); PubMed 23959892 (cited by Labcorp Genetics (formerly Invitae), Labcorp); PubMed 25607374 (cited by Labcorp Genetics (formerly Invitae), Labcorp).

NM_001283009.2(RTEL1):c.2026-2A>G

Genes: RTEL1-TNFRSF6B (RTEL1-TNFRSF6B readthrough (NMD candidate); plus strand), RTEL1 (regulator of telomere elongation helicase 1; plus strand). Cytogenetic location: 20q13.33.
Variant type: single nucleotide variant.
Coding change: c.2026-2A>G on transcript NM_001283009.2 (MANE Select); the canonical splice acceptor site of the intron before coding-DNA position 2026, A replaced by G.
Molecular consequence: splice acceptor variant.
Genome position (GRCh38, 1-based): chr20:63,689,748, A>G. VCF-style: chr20-63689748-A-G. GRCh37 (hg19) VCF-style: chr20-62321101-A-G.
Other names: c.2098-2A>G (NM_032957.4, NM_032957.5); c.1357-2A>G (NM_001283010.1); c.2026-2A>G (NM_016434.4).
Identifiers: ClinVar variation 2135576 (VCV002135576.7), dbSNP rs2517134527, ClinGen allele CA409678971.